The following is an entry in ClinVar:

NM_001035.3(RYR2):c.464-9_464-8delinsCC

Gene: RYR2 (ryanodine receptor 2; plus strand). Cytogenetic location: 1q43.
Variant type: Indel.
Coding change: c.464-9_464-8delinsCC on transcript NM_001035.3 (MANE Select); 9 bases into the intron before coding-DNA position 464 through 8 bases into the intron before coding-DNA position 464, TA replaced by CC.
Molecular consequence: intron variant.
Genome position (GRCh38, 1-based): chr1:237,377,314-237,377,315, TA replaced by CC. VCF-style: chr1-237377314-TA-CC. GRCh37 (hg19) VCF-style: chr1-237540614-TA-CC.
Other names: c.464-9_464-8delinsCC (NM_001035.2).
Identifiers: ClinVar variation 701854 (VCV000701854.15), dbSNP rs1572045142, ClinGen allele CA913187564.

ClinVar aggregate classification (germline): Likely benign. Review status: criteria provided, multiple submitters, no conflicts (2 of 4 stars). 3 submissions from 3 submitters: Likely benign (3). Last evaluated 2026-01-28.

Conditions:
Cardiomyopathy (CMYO). Also called: Cardiomyopathies. Identifiers: Orphanet 167848, MedGen C0878544, MONDO:0004994, HP:0001638. Inheritance: Various modes of inheritance.
Catecholaminergic polymorphic ventricular tachycardia 1. Also called: VENTRICULAR TACHYCARDIA, CATECHOLAMINERGIC POLYMORPHIC, 1, WITH OR WITHOUT ATRIAL DYSFUNCTION AND/OR DILATED CARDIOMYOPATHY; VENTRICULAR TACHYCARDIA, STRESS-INDUCED POLYMORPHIC 1; RYR2-Related Catecholaminergic Polymorphic Ventricular Tachycardia. Identifiers: Orphanet 3286, MedGen C1631597, MONDO:0011484, OMIM 604772.

Submissions (3):

Labcorp Genetics (formerly Invitae), Labcorp
Classification: Likely benign for Catecholaminergic polymorphic ventricular tachycardia 1. Last evaluated: 2026-01-28. Review status: criteria provided, single submitter. Criteria: Invitae Variant Classification Sherloc (09022015). Collection method: clinical testing. Allele origin: germline.

Women's Health and Genetics/Laboratory Corporation of America, LabCorp
Classification: Likely benign. Last evaluated: 2022-07-19. Review status: criteria provided, single submitter. Criteria: LabCorp Variant Classification Summary - May 2015. Collection method: clinical testing. Allele origin: germline.
Comment: Variant summary: RYR2 c.464-9_464-8delinsCC alters a nucleotide located close to a canonical splice site and therefore could affect mRNA splicing, leading to a significantly altered protein sequence. 4/4 computational tools predict no significant impact on normal splicing. However, these predictions have yet to be confirmed by functional studies. The variant was absent in 270898 control chromosomes. The available data on variant occurrences in the general population are insufficient to allow any conclusion about variant significance. To our knowledge, no occurrence of c.464-9_464-8delinsCC in individuals affected with Catecholaminergic Polymorphic Ventricular Tachycardia and no experimental evidence demonstrating its impact on protein function have been reported. Two clinical diagnostic laboratories have submitted clinical-significance assessments for this variant to ClinVar after 2014 without evidence for independent evaluation. All laboratories classified the variant as likely benign. Based on the evidence outlined above, the variant was classified as likely benign.

Color Diagnostics, LLC DBA Color Health
Classification: Likely benign for Cardiomyopathy. Last evaluated: 2019-01-22. Review status: criteria provided, single submitter. Criteria: ACMG Guidelines, 2015. Collection method: clinical testing. Allele origin: germline.